The following is an entry in ClinVar:

ClinVar aggregate classification (germline): Conflicting classifications of pathogenicity. Review status: criteria provided, conflicting classifications (1 of 4 stars). 6 submissions from 6 submitters: Uncertain significance (4); Likely benign (2). Last evaluated 2025-09-16.

Conditions:
Classic or attenuated familial adenomatous polyposis. Identifiers: MedGen CN372698, MONDO:0021057.
Hereditary cancer-predisposing syndrome. Also called: Neoplastic Syndromes, Hereditary; Tumor predisposition; Hereditary Cancer Syndrome; Hereditary neoplastic syndrome. Identifiers: Orphanet 140162, MedGen C0027672, MeSH D009386, MONDO:0015356.
Familial adenomatous polyposis 1 (FAP1). Also called: FAMILIAL ADENOMATOUS POLYPOSIS 1, ATTENUATED; POLYPOSIS, ADENOMATOUS INTESTINAL. Identifiers: MedGen C2713442, MONDO:0021056, OMIM 175100. Disease mechanism: loss of function.

Allele frequency attached by ClinVar (database versions not stated): gnomAD exomes below 0.00001.
gnomAD v4.1: 2 of 1,612,962 alleles (0.00012%); highest among the groups gnomAD compares: Non-Finnish European, 0.00017%; no homozygotes.

Submissions (6):

Labcorp Genetics (formerly Invitae), Labcorp
Classification: Uncertain significance for Familial adenomatous polyposis 1. Last evaluated: 2025-09-16. Review status: criteria provided, single submitter. Criteria: Invitae Variant Classification Sherloc (09022015). Collection method: clinical testing. Allele origin: germline.
Comment: This sequence change replaces asparagine, which is neutral and polar, with serine, which is neutral and polar, at codon 660 of the APC protein (p.Asn660Ser). This variant is present in population databases (no rsID available, gnomAD 0.0009%). This variant has not been reported in the literature in individuals affected with APC-related conditions. ClinVar contains an entry for this variant (Variation ID: 482340). Invitae Evidence Modeling of protein sequence and biophysical properties (such as structural, functional, and spatial information, amino acid conservation, physicochemical variation, residue mobility, and thermodynamic stability) indicates that this missense variant is not expected to disrupt APC protein function with a negative predictive value of 95%. In summary, the available evidence is currently insufficient to determine the role of this variant in disease. Therefore, it has been classified as a Variant of Uncertain Significance.

GeneDx
Classification: Uncertain significance. Last evaluated: 2025-02-28. Review status: criteria provided, single submitter. Criteria: GeneDx Variant Classification Process June 2021. Collection method: clinical testing. Allele origin: germline. Affected: yes.
Comment: Not observed at significant frequency in large population cohorts (gnomAD); In silico analysis supports that this missense variant has a deleterious effect on protein structure/function; Has not been previously published as pathogenic or benign to our knowledge; This variant is associated with the following publications: (PMID: 18199528)

Color Diagnostics, LLC DBA Color Health
Classification: Uncertain significance for Hereditary cancer-predisposing syndrome. Last evaluated: 2024-09-24. Review status: criteria provided, single submitter. Criteria: ACMG Guidelines, 2015. Collection method: clinical testing. Allele origin: germline.
Comment: This missense variant replaces asparagine with serine at codon 660 of the APC protein. Computational prediction suggests that this variant may not impact protein structure and function (internally defined REVEL score threshold <= 0.5, PMID: 27666373). To our knowledge, functional studies have not been reported for this variant. This variant has not been reported in individuals affected with APC-related disorders in the literature. This variant has been identified in 1/250780 chromosomes in the general population by the Genome Aggregation Database (gnomAD). The available evidence is insufficient to determine the role of this variant in disease conclusively. Therefore, this variant is classified as a Variant of Uncertain Significance.

Baylor Genetics
Classification: Uncertain significance for Familial adenomatous polyposis 1. Last evaluated: 2023-08-13. Review status: criteria provided, single submitter. Criteria: ACMG Guidelines, 2015. Collection method: clinical testing. Allele origin: unknown.

All of Us Research Program, National Institutes of Health
Classification: Likely benign for Classic or attenuated familial adenomatous polyposis. Last evaluated: 2023-05-31. Review status: criteria provided, single submitter. Criteria: ACMG Guidelines, 2015. Collection method: clinical testing. Allele origin: germline. Inheritance: Autosomal dominant inheritance. Observed: 1 variant allele, 1 heterozygote.
Comment: This study involves interpretation of variants in research participants for the purpose of population health screening. Participant phenotype was not available at the time of variant classification. Additional details can be found in publication PMID: 35346344, PMCID: PMC8962531

Ambry Genetics
Classification: Likely benign for Hereditary cancer-predisposing syndrome. Last evaluated: 2017-03-08. Review status: criteria provided, single submitter. Criteria: Ambry Variant Classification Scheme 2023. Collection method: clinical testing. Allele origin: germline.

NM_000038.6(APC):c.1979A>G (p.Asn660Ser)

Gene: APC (APC regulator of Wnt signaling pathway; plus strand). Cytogenetic location: 5q22.2.
Variant type: single nucleotide variant.
Coding change: c.1979A>G on transcript NM_000038.6 (MANE Select); coding-DNA position 1979, A replaced by G.
Protein change: p.Asn660Ser; replaces asparagine 660 with serine.
Molecular consequence: missense variant.
Genome position (GRCh38, 1-based): chr5:112,837,573, A>G. VCF-style: chr5-112837573-A-G. GRCh37 (hg19) VCF-style: chr5-112173270-A-G.
Other names: c.1979A>G, p.Asn660Ser (NM_001127510.3, NM_001354895.2); c.1925A>G, p.Asn642Ser (NM_001127511.3); c.2033A>G, p.Asn678Ser (NM_001354896.2); c.2009A>G, p.Asn670Ser (NM_001354897.2); c.1904A>G, p.Asn635Ser (NM_001354898.2); c.1895A>G, p.Asn632Ser (NM_001354899.2); c.1856A>G, p.Asn619Ser (NM_001354900.2); c.1802A>G, p.Asn601Ser (NM_001354901.2); and 5 more; short protein forms N642S, N660S, N534S, N569S, N559S, N635S, N670S, N678S.
Identifiers: ClinVar variation 482340 (VCV000482340.22), dbSNP rs1174866478, ClinGen allele CA16025642.